The following is an entry in ClinVar:

ClinVar aggregate classification (germline): Uncertain significance (1 of 4 stars; one submission).

gnomAD v4.1: 1 of 1,586,536 alleles (0.000063%); highest among the groups gnomAD compares: Non-Finnish European, 0.000086%; no homozygotes.

Submission:

Dasa
Classification: Uncertain significance. Last evaluated: 2026-02-09. Review status: criteria provided, single submitter. Criteria: DASA Assertion Criteria. Collection method: clinical testing. Allele origin: germline.
Comment: NM_001322015.2(PMS2):c.20C>T (p.Thr7Ile) is a missense variant that results in the substitution of threonine with isoleucine. This variant is rare in population databases. Computational prediction algorithms are consistent with a benign effect. The currently available literature and clinical evidence are not sufficient to establish a definitive association between this variant and the reported condition. Therefore, this variant is classified as a variant of uncertain significance.

NM_000535.7(PMS2):c.354-25C>T

Gene: PMS2 (PMS1 homolog 2, mismatch repair system component; minus strand). Cytogenetic location: 7p22.1.
Variant type: single nucleotide variant.
Coding change: c.354-25C>T on transcript NM_000535.7 (MANE Select); 25 bases into the intron before coding-DNA position 354, C replaced by T.
Molecular consequence: intron variant. On other transcripts: missense variant (9).
Genome position (GRCh38, 1-based): chr7:6,002,661, G>A on the plus strand (C>T on the coding strand, the complement: PMS2 is on the minus strand). VCF-style: chr7-6002661-G-A. GRCh37 (hg19) VCF-style: chr7-6042292-G-A.
Other names: c.36-25C>T (NM_001406903.1, NM_001322007.2, NM_001406876.1 and 4 more transcripts); c.-52-25C>T (NM_001406909.1, NM_001406907.1, NM_001406892.1 and 24 more transcripts); c.354-25C>T (NM_001406886.1, NM_001406884.1, NM_001406874.1 and 8 more transcripts); c.-531-25C>T (NM_001322011.2, NM_001322012.2); c.378-25C>T (NM_001406868.1); c.540-25C>T (NM_001406866.1); c.20C>T, p.Thr7Ile (NM_001322015.2, NM_001406875.1, NM_001406877.1 and 6 more transcripts); c.250+1311C>T (NM_001406885.1); short protein forms T7I.
Identifiers: ClinVar variation 4881358 (VCV004881358.2).